The following is an entry in ClinVar:

NM_004385.5(VCAN):c.6505G>C (p.Glu2169Gln)

Genes: VCAN (versican; plus strand), VCAN-AS1 (VCAN antisense RNA 1; minus strand). Cytogenetic location: 5q14.3.
Variant type: single nucleotide variant.
Coding change: c.6505G>C on transcript NM_004385.5 (MANE Select); coding-DNA position 6505, G replaced by C.
Protein change: p.Glu2169Gln; replaces glutamic acid 2169 with glutamine.
Molecular consequence: missense variant. On other transcripts: intron variant (2).
Genome position (GRCh38, 1-based): chr5:83,539,508, G>C. VCF-style: chr5-83539508-G-C. GRCh37 (hg19) VCF-style: chr5-82835327-G-C.
Other names: c.3544G>C, p.Glu1182Gln (NM_001164097.2); c.4004-6029G>C (NM_001164098.2); c.1043-6029G>C (NM_001126336.3); short protein forms E1182Q, E2169Q.
Identifiers: ClinVar variation 1919142 (VCV001919142.5), dbSNP rs1746877124, ClinGen allele CA360312709.

ClinVar aggregate classification (germline): Uncertain significance (1 of 4 stars; one submission).

Allele frequency attached by ClinVar (database versions not stated): gnomAD exomes below 0.00001; TOPMed 0.00001.

Submission:

Labcorp Genetics (formerly Invitae), Labcorp
Classification: Uncertain significance. Last evaluated: 2022-09-13. Review status: criteria provided, single submitter. Criteria: Invitae Variant Classification Sherloc (09022015). Collection method: clinical testing. Allele origin: germline.
Comment: This variant has not been reported in the literature in individuals affected with VCAN-related conditions. In summary, the available evidence is currently insufficient to determine the role of this variant in disease. Therefore, it has been classified as a Variant of Uncertain Significance. Algorithms developed to predict the effect of missense changes on protein structure and function output the following: SIFT: "Deleterious"; PolyPhen-2: "Benign"; Align-GVGD: "Class C0". The glutamine amino acid residue is found in multiple mammalian species, which suggests that this missense change does not adversely affect protein function. This variant is not present in population databases (gnomAD no frequency). This sequence change replaces glutamic acid, which is acidic and polar, with glutamine, which is neutral and polar, at codon 2169 of the VCAN protein (p.Glu2169Gln).